The following is an entry in ClinVar:

ClinVar aggregate classification (germline): Uncertain significance. Review status: criteria provided, multiple submitters, no conflicts (2 of 4 stars). 2 submissions from 2 submitters: Uncertain significance (2). Last evaluated 2026-02-18.

Conditions:
Inborn genetic diseases. Identifiers: MedGen C0950123, MeSH D030342.

Allele frequency attached by ClinVar (database versions not stated): TOPMed 0.00002.
gnomAD v4.1: 9 of 1,563,874 alleles (0.00058%); highest among the groups gnomAD compares: Admixed American, 0.017%; no homozygotes.

Submissions (2):

GeneDx
Classification: Uncertain significance. Last evaluated: 2026-02-18. Review status: criteria provided, single submitter. Criteria: GeneDx Variant Classification Process June 2021. Collection method: clinical testing. Allele origin: germline.
Comment: In silico analysis suggests that this missense variant does not alter protein structure/function; Has not been previously published as pathogenic or benign to our knowledge

Ambry Genetics
Classification: Uncertain significance for Inborn genetic diseases. Last evaluated: 2021-08-10. Review status: criteria provided, single submitter. Criteria: Ambry Variant Classification Scheme 2023. Collection method: clinical testing. Allele origin: germline.

NM_173660.5(DOK7):c.679G>C (p.Val227Leu)

Gene: DOK7 (docking protein 7; plus strand). Cytogenetic location: 4p16.3.
Variant type: single nucleotide variant.
Coding change: c.679G>C on transcript NM_173660.5 (MANE Select); coding-DNA position 679, G replaced by C.
Protein change: p.Val227Leu; replaces valine 227 with leucine.
Molecular consequence: missense variant. On other transcripts: 5 prime UTR variant (1).
Genome position (GRCh38, 1-based): chr4:3,489,703, G>C. VCF-style: chr4-3489703-G-C. GRCh37 (hg19) VCF-style: chr4-3491430-G-C.
Other names: c.668G>C, p.Cys223Ser (NM_001164673.2); c.-252G>C (NM_001256896.2); c.679G>C, p.Val227Leu (NM_001301071.2); c.247G>C, p.Val83Leu (NM_001363811.2); short protein forms V83L, C223S, V227L.
Identifiers: ClinVar variation 2204209 (VCV002204209.3), dbSNP rs749222988, ClinGen allele CA2829146.